The following is an entry in ClinVar:

ClinVar aggregate classification (germline): Conflicting classifications of pathogenicity. Review status: criteria provided, conflicting classifications (1 of 4 stars). 2 submissions from 2 submitters: Uncertain significance (1); Likely benign (1). Last evaluated 2025-09-16.

Conditions:
Neuroblastoma, susceptibility to, 3. Also called: ALK-Related Neuroblastic Tumor Susceptibility. Identifiers: Orphanet 635, MedGen C2751681, MONDO:0013083, OMIM 613014.
Hereditary cancer-predisposing syndrome. Also called: Tumor predisposition; Hereditary Cancer Syndrome; Neoplastic Syndromes, Hereditary; Hereditary neoplastic syndrome. Identifiers: Orphanet 140162, MedGen C0027672, MeSH D009386, MONDO:0015356.

Allele frequency attached by ClinVar (database versions not stated): TOPMed 0.00002.
gnomAD v4.1: 5 of 1,614,038 alleles (0.00031%); highest among the groups gnomAD compares: Admixed American, 0.0017%; no homozygotes.

Submissions (2):

Ambry Genetics
Classification: Uncertain significance for Hereditary cancer-predisposing syndrome. Last evaluated: 2025-09-16. Review status: criteria provided, single submitter. Criteria: Ambry Variant Classification Scheme 2023. Collection method: clinical testing. Allele origin: germline.
Comment: The c.4194G>C variant (also known as p.P1398P), located in coding exon 29 of the ALK gene, results from a G to C substitution at nucleotide position 4194. This nucleotide substitution does not change the proline at codon 1398. This nucleotide position is poorly conserved in available vertebrate species. In silico splice site analysis predicts that this alteration may result in the creation or strengthening of a novel splice acceptor site. Based on the available evidence, the clinical significance of this variant remains unclear.

Labcorp Genetics (formerly Invitae), Labcorp
Classification: Likely benign for Neuroblastoma, susceptibility to, 3. Last evaluated: 2024-10-29. Review status: criteria provided, single submitter. Criteria: Invitae Variant Classification Sherloc (09022015). Collection method: clinical testing. Allele origin: germline.

NM_004304.5(ALK):c.4194G>C (p.Pro1398=)

Gene: ALK (ALK receptor tyrosine kinase; minus strand). Cytogenetic location: 2p23.2.
Variant type: single nucleotide variant.
Coding change: c.4194G>C on transcript NM_004304.5 (MANE Select); coding-DNA position 4194, G replaced by C.
Protein change: p.Pro1398=; no amino-acid change (proline 1398 retained).
Molecular consequence: synonymous variant.
Genome position (GRCh38, 1-based): chr2:29,193,893, C>G on the plus strand (G>C on the coding strand, the complement: ALK is on the minus strand). VCF-style: chr2-29193893-C-G. GRCh37 (hg19) VCF-style: chr2-29416759-C-G.
Other names: c.990G>C, p.Pro330= (NM_001353765.2).
Identifiers: ClinVar variation 755815 (VCV000755815.11), dbSNP rs201653228, ClinGen allele CA425618931.